The following is an entry in ClinVar:

ClinVar aggregate classification (germline): Uncertain significance. Review status: criteria provided, multiple submitters, no conflicts (2 of 4 stars). 2 submissions from 2 submitters: Uncertain significance (2). Last evaluated 2025-03-18.

Allele frequency attached by ClinVar (database versions not stated): TOPMed below 0.00001; gnomAD 0.00001; gnomAD exomes 0.00001.
gnomAD v4.1: 9 of 1,613,962 alleles (0.00056%); highest among the groups gnomAD compares: Non-Finnish European, 0.00076%; no homozygotes.

Submissions (2):

Ambry Genetics
Classification: Uncertain significance. Last evaluated: 2025-03-18. Review status: criteria provided, single submitter. Criteria: Ambry Variant Classification Scheme 2023. Collection method: clinical testing. Allele origin: germline.

Labcorp Genetics (formerly Invitae), Labcorp
Classification: Uncertain significance. Last evaluated: 2022-10-13. Review status: criteria provided, single submitter. Criteria: Invitae Variant Classification Sherloc (09022015). Collection method: clinical testing. Allele origin: germline.
Comment: Algorithms developed to predict the effect of missense changes on protein structure and function (SIFT, PolyPhen-2, Align-GVGD) all suggest that this variant is likely to be disruptive. ClinVar contains an entry for this variant (Variation ID: 1367096). This variant has not been reported in the literature in individuals affected with CEP19-related conditions. This variant is not present in population databases (gnomAD no frequency). This sequence change replaces tyrosine, which is neutral and polar, with cysteine, which is neutral and slightly polar, at codon 142 of the CEP19 protein (p.Tyr142Cys). In summary, the available evidence is currently insufficient to determine the role of this variant in disease. Therefore, it has been classified as a Variant of Uncertain Significance.

NM_032898.5(CEP19):c.413A>G (p.Tyr138Cys)

Gene: CEP19 (centrosomal protein 19; minus strand). Cytogenetic location: 3q29.
Variant type: single nucleotide variant.
Coding change: c.413A>G on transcript NM_032898.5 (MANE Select); coding-DNA position 413, A replaced by G.
Protein change: p.Tyr138Cys; replaces tyrosine 138 with cysteine.
Molecular consequence: missense variant.
Genome position (GRCh38, 1-based): chr3:196,707,630, T>C on the plus strand (A>G on the coding strand, the complement: CEP19 is on the minus strand). VCF-style: chr3-196707630-T-C. GRCh37 (hg19) VCF-style: chr3-196434501-T-C.
Other names: c.308A>G, p.Tyr103Cys (NM_001379468.1); c.413A>G, p.Tyr138Cys (NM_001379469.1, NM_001379470.1); c.425A>G (NM_032898.3); short protein forms Y103C, Y138C.
Identifiers: ClinVar variation 1367096 (VCV001367096.7), dbSNP rs1247639222, ClinGen allele CA355634062.
Genomic context (GRCh38, chr3:196,707,630, plus strand): 5'-TCTGTGTCCCAGCCACAGGACTGCAGTTGATCGTCCTGTGGAAATTCAACCTCAATGTCA[T>C]AAACAAAATTTGGATCATCCTTCTTCTTCTGATTTTTCTCAAAAAGTTCATCCATGATGC-3'
Protein context (NP_116287.3, residues 128-148): QKKKDDPNFV[Tyr138Cys]DIEVEFPQDD